The following is an entry in ClinVar:

ClinVar aggregate classification (germline): Pathogenic (1 of 4 stars; one submission).

Allele frequency attached by ClinVar (database versions not stated): gnomAD 0.00003.
gnomAD v4.1: 5 of 1,612,954 alleles (0.00031%); highest among the groups gnomAD compares: African/African-American, 0.0067%; no homozygotes.

Submission:

Labcorp Genetics (formerly Invitae), Labcorp
Classification: Pathogenic. Last evaluated: 2023-04-18. Review status: criteria provided, single submitter. Criteria: Invitae Variant Classification Sherloc (09022015). Collection method: clinical testing. Allele origin: germline.
Comment: This sequence change creates a premature translational stop signal (p.Tyr1164*) in the MYO15A gene. It is expected to result in an absent or disrupted protein product. Loss-of-function variants in MYO15A are known to be pathogenic (PMID: 17546645). For these reasons, this variant has been classified as Pathogenic. This variant has not been reported in the literature in individuals affected with MYO15A-related conditions. This variant is not present in population databases (gnomAD no frequency).

Literature cited by the submitters: PubMed 17546645.

NM_016239.4(MYO15A):c.3492T>A (p.Tyr1164Ter)

Gene: MYO15A (myosin XVA; plus strand). Cytogenetic location: 17p11.2.
Variant type: single nucleotide variant.
Coding change: c.3492T>A on transcript NM_016239.4 (MANE Select); coding-DNA position 3492, T replaced by A.
Protein change: p.Tyr1164Ter; replaces tyrosine 1164 with a stop codon.
Molecular consequence: nonsense.
Genome position (GRCh38, 1-based): chr17:18,122,292, T>A. VCF-style: chr17-18122292-T-A. GRCh37 (hg19) VCF-style: chr17-18025606-T-A.
Other names: short protein forms Y1164*.
Identifiers: ClinVar variation 2712869 (VCV002712869.3), dbSNP rs992088282, ClinGen allele CA288389867.